The following is an entry in ClinVar:

ClinVar aggregate classification (germline): Uncertain significance (0 of 4 stars; one submission).

Conditions:
KMT2E-related disorder. Also called: KMT2E-related condition.

gnomAD v4.1: 1 of 1,614,160 alleles (0.000062%); highest among the groups gnomAD compares: Non-Finnish European, 0.000085%; no homozygotes.

Submission:

PreventionGenetics, part of Exact Sciences
Classification: Uncertain significance for KMT2E-related condition. Last evaluated: 2024-07-09. Review status: no assertion criteria provided. Collection method: clinical testing. Allele origin: germline.
Comment: The KMT2E c.3221C>T variant is predicted to result in the amino acid substitution p.Thr1074Ile. To our knowledge, this variant has not been reported in the literature or in a large population database, indicating this variant is rare. At this time, the clinical significance of this variant is uncertain due to the absence of conclusive functional and genetic evidence.

NM_182931.3(KMT2E):c.3221C>T (p.Thr1074Ile)

Gene: KMT2E (lysine methyltransferase 2E (inactive); plus strand). Cytogenetic location: 7q22.3.
Variant type: single nucleotide variant.
Coding change: c.3221C>T on transcript NM_182931.3 (MANE Select); coding-DNA position 3221, C replaced by T.
Protein change: p.Thr1074Ile; replaces threonine 1074 with isoleucine.
Molecular consequence: missense variant.
Genome position (GRCh38, 1-based): chr7:105,107,678, C>T. VCF-style: chr7-105107678-C-T. GRCh37 (hg19) VCF-style: chr7-104748125-C-T.
Other names: c.3221C>T, p.Thr1074Ile (NM_001410908.1, NM_018682.4); short protein forms T1074I.
Identifiers: ClinVar variation 3344342 (VCV003344342.1).
Genomic context (GRCh38, chr7:105,107,678, plus strand): 5'-ACTCGACTCACTCTGGACGGGGCACAATGTATTCTTCCTGGGTAAAGAGCCCTGACAGAA[C>T]AGGAGTTAACTTCTCAGTGAACTCCAACTTGAGGGACCTGACACCCTCGCATCAGTTGGA-3'
Protein context (NP_891847.1, residues 1064-1084): YSSWVKSPDR[Thr1074Ile]GVNFSVNSNL